The following is an entry in ClinVar:

NM_002691.4(POLD1):c.1119G>T (p.Lys373Asn)

Gene: POLD1 (DNA polymerase delta 1, catalytic subunit; plus strand). Cytogenetic location: 19q13.33.
Variant type: single nucleotide variant.
Coding change: c.1119G>T on transcript NM_002691.4 (MANE Select); coding-DNA position 1119, G replaced by T.
Protein change: p.Lys373Asn; replaces lysine 373 with asparagine.
Molecular consequence: missense variant. On other transcripts: non-coding transcript variant (1).
Genome position (GRCh38, 1-based): chr19:50,403,201, G>T. VCF-style: chr19-50403201-G-T. GRCh37 (hg19) VCF-style: chr19-50906458-G-T.
Other names: c.1119G>T, p.Lys373Asn (NM_001256849.1, NM_001308632.1); short protein forms K373N.
Identifiers: ClinVar variation 3650463 (VCV003650463.2).

ClinVar aggregate classification (germline): Uncertain significance (1 of 4 stars; one submission).

Conditions:
POLD1-related polyposis and colorectal cancer syndrome (CRCS10). Also called: Colorectal cancer 10; COLORECTAL CANCER, SUSCEPTIBILITY TO, ON CHROMOSOME 19q; Colorectal cancer, susceptibility to, 10. Identifiers: Orphanet 220460, MedGen C2675481, MONDO:0012953, OMIM 612591.

gnomAD v4.1: 1 of 1,559,558 alleles (0.000064%); highest among the groups gnomAD compares: Non-Finnish European, 0.000087%; no homozygotes.

Submission:

Labcorp Genetics (formerly Invitae), Labcorp
Classification: Uncertain significance for POLD1-related polyposis and colorectal cancer syndrome. Last evaluated: 2024-05-23. Review status: criteria provided, single submitter. Criteria: Invitae Variant Classification Sherloc (09022015). Collection method: clinical testing. Allele origin: germline.
Comment: This sequence change replaces lysine, which is basic and polar, with asparagine, which is neutral and polar, at codon 373 of the POLD1 protein (p.Lys373Asn). This variant is not present in population databases (gnomAD no frequency). This variant has not been reported in the literature in individuals affected with POLD1-related conditions. Advanced modeling of protein sequence and biophysical properties (such as structural, functional, and spatial information, amino acid conservation, physicochemical variation, residue mobility, and thermodynamic stability) performed at Invitae indicates that this missense variant is not expected to disrupt POLD1 protein function with a negative predictive value of 80%. In summary, the available evidence is currently insufficient to determine the role of this variant in disease. Therefore, it has been classified as a Variant of Uncertain Significance.